The following is an entry in ClinVar:

ClinVar aggregate classification (germline): Uncertain significance (1 of 4 stars; one submission).

Conditions:
Wilms tumor 1 (WT1). Also called: Wilms tumor, somatic. Identifiers: Orphanet 654, MedGen CN033288, MONDO:0008679, OMIM 194070.

Submission:

Labcorp Genetics (formerly Invitae), Labcorp
Classification: Uncertain significance for Wilms tumor 1. Last evaluated: 2022-10-17. Review status: criteria provided, single submitter. Criteria: Invitae Variant Classification Sherloc (09022015). Collection method: clinical testing. Allele origin: germline.
Comment: This sequence change replaces asparagine, which is neutral and polar, with aspartic acid, which is acidic and polar, at codon 195 of the GPC3 protein (p.Asn195Asp). This variant is not present in population databases (gnomAD no frequency). This variant has not been reported in the literature in individuals affected with GPC3-related conditions. ClinVar contains an entry for this variant (Variation ID: 1044128). Advanced modeling of protein sequence and biophysical properties (such as structural, functional, and spatial information, amino acid conservation, physicochemical variation, residue mobility, and thermodynamic stability) performed at Invitae indicates that this missense variant is not expected to disrupt GPC3 protein function. In summary, the available evidence is currently insufficient to determine the role of this variant in disease. Therefore, it has been classified as a Variant of Uncertain Significance.

NM_004484.4(GPC3):c.583A>G (p.Asn195Asp)

Gene: GPC3 (glypican 3; minus strand). Cytogenetic location: Xq26.2.
Variant type: single nucleotide variant.
Coding change: c.583A>G on transcript NM_004484.4 (MANE Select); coding-DNA position 583, A replaced by G.
Protein change: p.Asn195Asp; replaces asparagine 195 with aspartic acid.
Molecular consequence: missense variant.
Genome position (GRCh38, 1-based): chrX:133,753,931, T>C on the plus strand (A>G on the coding strand, the complement: GPC3 is on the minus strand). VCF-style: chrX-133753931-T-C. GRCh37 (hg19) VCF-style: chrX-132887958-T-C.
Other names: c.583A>G, p.Asn195Asp (NM_001164617.2); c.535A>G, p.Asn179Asp (NM_001164618.2); c.421A>G, p.Asn141Asp (NM_001164619.2); short protein forms N141D, N179D, N195D.
Identifiers: ClinVar variation 1044128 (VCV001044128.12), dbSNP rs2071698474, ClinGen allele CA414706304.
Genomic context (GRCh38, chrX:133,753,931, plus strand): 5'-TAAGCTTGGGGAAATTCCCAAATACTTTCAGGTCACGTCTTGCTCCTCGGAGGCACTCAT[T>C]GATGTCCAAGGCTGAATCAGGCAGGCCTGGGTTCATTAGCTGGGTATAGATGACTGGAAA-3'
Protein context (NP_004475.1, residues 185-205): PGLPDSALDI[Asn195Asp]ECLRGARRDL